The following is an entry in ClinVar:

NM_022773.4(LMF1):c.112G>A (p.Ala38Thr)

Genes: LMF1 (lipase maturation factor 1; minus strand), LOC130058141 (ATAC-STARR-seq lymphoblastoid silent region 6962; plus strand). Cytogenetic location: 16p13.3.
Variant type: single nucleotide variant.
Coding change: c.112G>A on transcript NM_022773.4 (MANE Select); coding-DNA position 112, G replaced by A.
Protein change: p.Ala38Thr; replaces alanine 38 with threonine.
Molecular consequence: missense variant. On other transcripts: 5 prime UTR variant (1), non-coding transcript variant (1), intron variant (3).
Genome position (GRCh38, 1-based): chr16:970,869, C>T on the plus strand (G>A on the coding strand, the complement: LMF1 is on the minus strand). VCF-style: chr16-970869-C-T. GRCh37 (hg19) VCF-style: chr16-1020869-C-T.
Other names: c.112G>A, p.Ala38Thr (NM_001352020.1); c.-594G>A (NM_001352021.2); c.-135+10276G>A (NM_001352019.2); c.-611+10276G>A (NM_001352017.2); c.-362+10276G>A (NM_001352018.2); short protein forms A38T.
Identifiers: ClinVar variation 2447054 (VCV002447054.4), dbSNP rs531928966, ClinGen allele CA7797775.

ClinVar aggregate classification (germline): Uncertain significance. Review status: criteria provided, multiple submitters, no conflicts (2 of 4 stars). 2 submissions from 2 submitters: Uncertain significance (2). Last evaluated 2024-09-22.

Conditions:
Cardiovascular phenotype. Identifiers: MedGen CN230736.

Allele frequency attached by ClinVar (database versions not stated): TOPMed 0.00002; gnomAD 0.00010; ExAC 0.00026; 1000 Genomes Project 0.00040; 1000 Genomes Project 30x 0.00047.

Submissions (2):

Labcorp Genetics (formerly Invitae), Labcorp
Classification: Uncertain significance. Last evaluated: 2024-09-22. Review status: criteria provided, single submitter. Criteria: Invitae Variant Classification Sherloc (09022015). Collection method: clinical testing. Allele origin: germline.
Comment: This sequence change replaces alanine, which is neutral and non-polar, with threonine, which is neutral and polar, at codon 38 of the LMF1 protein (p.Ala38Thr). The frequency data for this variant in the population databases is considered unreliable, as metrics indicate poor data quality at this position in the gnomAD database. This variant has not been reported in the literature in individuals affected with LMF1-related conditions. ClinVar contains an entry for this variant (Variation ID: 2447054). An algorithm developed to predict the effect of missense changes on protein structure and function outputs the following: PolyPhen-2: "Benign". The threonine amino acid residue is found in multiple mammalian species, which suggests that this missense change does not adversely affect protein function. In summary, the available evidence is currently insufficient to determine the role of this variant in disease. Therefore, it has been classified as a Variant of Uncertain Significance.

Ambry Genetics
Classification: Uncertain significance for Cardiovascular phenotype. Last evaluated: 2023-01-01. Review status: criteria provided, single submitter. Criteria: Ambry Variant Classification Scheme 2023. Collection method: clinical testing. Allele origin: germline.
Comment: The p.A38T variant (also known as c.112G>A), located in coding exon 1 of the LMF1 gene, results from a G to A substitution at nucleotide position 112. The alanine at codon 38 is replaced by threonine, an amino acid with similar properties. This amino acid position is conserved. In addition, this alteration is predicted to be tolerated by in silico analysis. Since supporting evidence is limited at this time, the clinical significance of this alteration remains unclear.